The following is an entry in ClinVar:

ClinVar aggregate classification (germline): Uncertain significance. Review status: criteria provided, multiple submitters, no conflicts (2 of 4 stars). 4 submissions from 4 submitters: Uncertain significance (4). Last evaluated 2026-06-10.

Conditions:
Inborn genetic diseases. Identifiers: MedGen C0950123, MeSH D030342.
Congenital disorder of glycosylation, type Iaa. Also called: Congenital disorder of glycosylation, type 1aa. Identifiers: MedGen C4310727, MONDO:0014904, OMIM 617082.

Allele frequency attached by ClinVar (database versions not stated): TOPMed 0.00001; gnomAD exomes 0.00001.
gnomAD v4.1: 7 of 1,549,646 alleles (0.00045%); highest among the groups gnomAD compares: Non-Finnish European, 0.00061%; no homozygotes.

Submissions (4):

Ambry Genetics
Classification: Uncertain significance for Inborn genetic diseases. Last evaluated: 2026-06-10. Review status: criteria provided, single submitter. Criteria: Ambry Variant Classification Scheme 2023. Collection method: clinical testing. Allele origin: germline.
Comment: The c.335C>G (p.P112R) alteration is located in exon 1 (coding exon 1) of the NUS1 gene. This alteration results from a C to G substitution at nucleotide position 335, causing the proline (P) at amino acid position 112 to be replaced by an arginine (R). Based on data from gnomAD, the G allele has an overall frequency of 0.001% (1/155036) total alleles studied. The highest observed frequency was 0.002% (1/59530) of European (non-Finnish) alleles. Based on insufficient or conflicting evidence, the clinical significance of this alteration remains unclear.

Labcorp Genetics (formerly Invitae), Labcorp
Classification: Uncertain significance for Congenital disorder of glycosylation, type Iaa. Last evaluated: 2025-07-14. Review status: criteria provided, single submitter. Criteria: Invitae Variant Classification Sherloc (09022015). Collection method: clinical testing. Allele origin: germline.
Comment: This sequence change replaces proline, which is neutral and non-polar, with arginine, which is basic and polar, at codon 112 of the NUS1 protein (p.Pro112Arg). This variant is not present in population databases (gnomAD no frequency). This variant has not been reported in the literature in individuals affected with NUS1-related conditions. ClinVar contains an entry for this variant (Variation ID: 1446856). An algorithm developed to predict the effect of missense changes on protein structure and function outputs the following: PolyPhen-2: "Benign". The arginine amino acid residue is found in multiple mammalian species, which suggests that this missense change does not adversely affect protein function. In summary, the available evidence is currently insufficient to determine the role of this variant in disease. Therefore, it has been classified as a Variant of Uncertain Significance.

GeneDx
Classification: Uncertain significance. Last evaluated: 2024-08-06. Review status: criteria provided, single submitter. Criteria: GeneDx Variant Classification Process June 2021. Collection method: clinical testing. Allele origin: germline. Affected: yes.
Comment: Not observed at significant frequency in large population cohorts (gnomAD); In silico analysis indicates that this missense variant does not alter protein structure/function; Has not been previously published as pathogenic or benign to our knowledge

Mendelics
Classification: Uncertain significance. Last evaluated: 2022-05-04. Review status: criteria provided, single submitter. Criteria: Mendelics Assertion Criteria 2019. Collection method: clinical testing. Allele origin: germline.

NM_138459.5(NUS1):c.335C>G (p.Pro112Arg)

Gene: NUS1 (NUS1 dehydrodolichyl diphosphate synthase subunit; plus strand). Cytogenetic location: 6q22.1.
Variant type: single nucleotide variant.
Coding change: c.335C>G on transcript NM_138459.5 (MANE Select); coding-DNA position 335, C replaced by G.
Protein change: p.Pro112Arg; replaces proline 112 with arginine.
Molecular consequence: missense variant.
Genome position (GRCh38, 1-based): chr6:117,676,005, C>G. VCF-style: chr6-117676005-C-G. GRCh37 (hg19) VCF-style: chr6-117997168-C-G.
Other names: c.335C>G (NM_138459.3); short protein forms P112R.
Identifiers: ClinVar variation 1446856 (VCV001446856.10), dbSNP rs540846579, ClinGen allele CA146431402.